The following is an entry in ClinVar:

ClinVar aggregate classification (germline): Uncertain significance (1 of 4 stars; one submission).

Conditions:
Fanconi anemia (FA). Also called: Fanconi's anemia. Identifiers: Orphanet 84, MedGen C0015625, MeSH D005199, MONDO:0019391.

Allele frequency attached by ClinVar (database versions not stated): gnomAD exomes below 0.00001; gnomAD 0.00001; TOPMed 0.00002; ESP Exome Variant Server 0.00008.

Submission:

Labcorp Genetics (formerly Invitae), Labcorp
Classification: Uncertain significance for Fanconi anemia. Last evaluated: 2023-02-14. Review status: criteria provided, single submitter. Criteria: Invitae Variant Classification Sherloc (09022015). Collection method: clinical testing. Allele origin: germline.
Comment: In summary, the available evidence is currently insufficient to determine the role of this variant in disease. Therefore, it has been classified as a Variant of Uncertain Significance. Experimental studies and prediction algorithms are not available or were not evaluated, and the functional significance of this variant is currently unknown. This variant, c.933_938dup, results in the insertion of 2 amino acid(s) of the FANCG protein (p.Val312_Pro313dup), but otherwise preserves the integrity of the reading frame. This variant is not present in population databases (gnomAD no frequency). This variant has not been reported in the literature in individuals affected with FANCG-related conditions. ClinVar contains an entry for this variant (Variation ID: 837153).

NM_004629.2(FANCG):c.933_938dup (p.Val312_Pro313dup)

Gene: FANCG (FA complementation group G; minus strand). Cytogenetic location: 9p13.3.
Variant type: Duplication.
Coding change: c.933_938dup on transcript NM_004629.2 (MANE Select); coding-DNA positions 933 to 938, 6 bases duplicated (TGTCCC; older notation c.933_938dupTGTCCC).
Protein change: p.Val312_Pro313dup.
Molecular consequence: inframe insertion.
Genome position (GRCh38, 1-based): chr9:35,076,570-35,076,575, GGGACA duplicated on the plus strand (TGTCCC on the coding strand, the reverse complement: FANCG is on the minus strand). VCF-style (leftmost placement, unchanged base first): chr9-35076569-T-TGGGACA. GRCh37 (hg19) VCF-style: chr9-35076566-T-TGGGACA.
Identifiers: ClinVar variation 837153 (VCV000837153.8), dbSNP rs1199832786, ClinGen allele CA373311271.